The following is an entry in ClinVar:

NM_007294.4(BRCA1):c.2533A>G (p.Ile845Val)

Gene: BRCA1 (BRCA1 DNA repair associated; minus strand). Cytogenetic location: 17q21.31.
Variant type: single nucleotide variant.
Coding change: c.2533A>G on transcript NM_007294.4 (MANE Select); coding-DNA position 2533, A replaced by G.
Protein change: p.Ile845Val; replaces isoleucine 845 with valine.
Molecular consequence: missense variant. On other transcripts: intron variant (137).
Genome position (GRCh38, 1-based): chr17:43,092,998, T>C on the plus strand (A>G on the coding strand, the complement: BRCA1 is on the minus strand). VCF-style: chr17-43092998-T-C. GRCh37 (hg19) VCF-style: chr17-41245015-T-C.
Other names: c.787+1746A>G (NM_001407979.1, NM_001407970.1, NM_001407977.1 and 17 more transcripts); c.646+1746A>G (NM_001408410.1, NM_001408458.1, NM_001408469.1 and 11 more transcripts); c.709+1746A>G (NM_001408415.1, NM_001408412.1, NM_001408409.1 and 2 more transcripts); c.577+1746A>G (NM_001408483.1, NM_001408481.1, NM_001408480.1 and 9 more transcripts); c.664+1746A>G (NM_001408442.1, NM_001408426.1, NM_001408436.1 and 12 more transcripts); c.2410A>G, p.Ile804Val (NM_001407683.1, NM_001407682.1, NM_001407678.1 and 19 more transcripts); c.2533A>G, p.Ile845Val (NM_001407684.1, NM_001407854.1, NM_001407858.1 and 30 more transcripts); c.2407A>G, p.Ile803Val (NM_001407685.1, NM_001407686.1, NM_001407687.1 and 11 more transcripts); and 41 more; short protein forms I677V, I717V, I756V, I774V, I803V, I549V, I718V, I775V.
Identifiers: ClinVar variation 1792726 (VCV001792726.11), dbSNP rs747649874, ClinGen allele CA058471.

ClinVar aggregate classification (germline): Conflicting classifications of pathogenicity. Review status: criteria provided, conflicting classifications (1 of 4 stars). 5 submissions from 5 submitters: Uncertain significance (4); Likely benign (1). Last evaluated 2025-12-10.

Conditions:
Hereditary cancer-predisposing syndrome. Also called: Tumor predisposition; Hereditary Cancer Syndrome; Neoplastic Syndromes, Hereditary; Hereditary neoplastic syndrome. Identifiers: Orphanet 140162, MedGen C0027672, MeSH D009386, MONDO:0015356.
Hereditary breast ovarian cancer syndrome. Also called: Hereditary breast and ovarian cancer; Hereditary breast and ovarian cancer syndrome; Breast and ovarian cancer; Hereditary breast and/or ovarian cancer syndrome; BRCA1- and BRCA2-Associated Hereditary Breast and Ovarian Cancer; Hereditary breast and ovarian cancer syndrome (HBOC). Identifiers: Orphanet 145, MedGen C0677776, MeSH D061325, MONDO:0003582. Disease mechanism: loss of function.

Allele frequency attached by ClinVar (database versions not stated): ExAC 0.00001.

Submissions (5):

Labcorp Genetics (formerly Invitae), Labcorp
Classification: Uncertain significance for Hereditary breast ovarian cancer syndrome. Last evaluated: 2025-12-10. Review status: criteria provided, single submitter. Criteria: Invitae Variant Classification Sherloc (09022015). Collection method: clinical testing. Allele origin: germline.
Comment: This sequence change replaces isoleucine, which is neutral and non-polar, with valine, which is neutral and non-polar, at codon 845 of the BRCA1 protein (p.Ile845Val). This variant is not present in population databases (gnomAD no frequency). This variant has not been reported in the literature in individuals affected with BRCA1-related conditions. ClinVar contains an entry for this variant (Variation ID: 1792726). Invitae Evidence Modeling of protein sequence and biophysical properties (such as structural, functional, and spatial information, amino acid conservation, physicochemical variation, residue mobility, and thermodynamic stability) indicates that this missense variant is not expected to disrupt BRCA1 protein function with a negative predictive value of 80%. Experimental studies have shown that this missense change does not substantially affect BRCA1 function (PMID: 32546644). In summary, the available evidence is currently insufficient to determine the role of this variant in disease. Therefore, it has been classified as a Variant of Uncertain Significance.

Quest Diagnostics Nichols Institute San Juan Capistrano
Classification: Uncertain significance. Last evaluated: 2024-10-17. Review status: criteria provided, single submitter. Criteria: Quest Diagnostics criteria. Collection method: clinical testing. Allele origin: unknown.
Comment: The BRCA1 c.2533A>G (p.Ile845Val) variant has been reported in the published literature to be located in a region of the BRCA1 gene that is tolerant to missense sequence changes (PMID: 31911673 (2020)). Assessment of experimental evidence regarding the effect of this variant on protein function suggests it has no effect relevant to disease (PMID: 32546644 (2020)). The frequency of this variant in the general population, 0.000004 (1/251090 chromosomes (Genome Aggregation Database)), is uninformative in the assessment of its pathogenicity. Analysis of this variant using bioinformatics tools for the prediction of the effect of amino acid changes on protein structure and function yielded predictions that this variant is benign. Based on the available information, we are unable to determine the clinical significance of this variant.

Color Diagnostics, LLC DBA Color Health
Classification: Uncertain significance for Hereditary cancer-predisposing syndrome. Last evaluated: 2024-02-12. Review status: criteria provided, single submitter. Criteria: ACMG Guidelines, 2015. Collection method: clinical testing. Allele origin: germline.
Comment: This missense variant replaces isoleucine with valine at codon 845 of the BRCA1 protein. Computational prediction suggests that this variant may not impact protein structure and function. To our knowledge, functional studies have not been reported for this variant. This variant has not been reported in individuals affected with BRCA1-related disorders in the literature. This variant has been identified in 1/251090 chromosomes in the general population by the Genome Aggregation Database (gnomAD). The available evidence is insufficient to determine the role of this variant in disease conclusively. Therefore, this variant is classified as a Variant of Uncertain Significance.

University of Washington Department of Laboratory Medicine, University of Washington
Classification: Likely benign for Hereditary cancer-predisposing syndrome. Last evaluated: 2023-03-23. Review status: criteria provided, single submitter. Criteria: Dines et al. (Genet Med. 2020). Collection method: curation. Allele origin: germline.
Comment: Missense variant in a coldspot region where missense variants are very unlikely to be pathogenic (PMID:31911673).

BRCA1 coldspot (exon 11 using historical exon numbering). Reclassification based on statistical prior probability

Ambry Genetics
Classification: Uncertain significance for Hereditary cancer-predisposing syndrome. Last evaluated: 2021-06-08. Review status: criteria provided, single submitter. Criteria: Ambry Variant Classification Scheme 2023. Collection method: clinical testing. Allele origin: germline.
Comment: The p.I845V variant (also known as c.2533A>G), located in coding exon 9 of the BRCA1 gene, results from an A to G substitution at nucleotide position 2533. The isoleucine at codon 845 is replaced by valine, an amino acid with highly similar properties. This amino acid position is poorly conserved in available vertebrate species. In addition, this alteration is predicted to be tolerated by in silico analysis. Since supporting evidence is limited at this time, the clinical significance of this alteration remains unclear.

Literature cited by the submitters: PubMed 32546644 (cited by Labcorp Genetics (formerly Invitae), Labcorp and Quest Diagnostics Nichols Institute San Juan Capistrano); PubMed 31911673 (cited by Quest Diagnostics Nichols Institute San Juan Capistrano).